The following is an entry in ClinVar:

NM_001267550.2(TTN):c.89386G>A (p.Val29796Met)

Genes: TTN (titin; minus strand), TTN-AS1 (TTN antisense RNA 1; plus strand). Cytogenetic location: 2q31.2.
Variant type: single nucleotide variant.
Coding change: c.89386G>A on transcript NM_001267550.2 (MANE Select); coding-DNA position 89386, G replaced by A.
Protein change: p.Val29796Met; replaces valine 29796 with methionine.
Molecular consequence: missense variant.
Genome position (GRCh38, 1-based): chr2:178,553,619, C>T on the plus strand (G>A on the coding strand, the complement: TTN is on the minus strand). VCF-style: chr2-178553619-C-T. GRCh37 (hg19) VCF-style: chr2-179418346-C-T.
Other names: p.V28155M:GTG>ATG; c.84463G>A, p.Val28155Met (NM_001256850.1); c.62191G>A, p.Val20731Met (NM_003319.4); c.81682G>A, p.Val27228Met (NM_133378.4); c.62566G>A, p.Val20856Met (NM_133432.3); c.62767G>A, p.Val20923Met (NM_133437.4); short protein forms V27228M, V29796M, V28155M, V20856M, V20731M, V20923M.
Identifiers: ClinVar variation 96314 (VCV000096314.83), dbSNP rs72648237, ClinGen allele CA181641.
Genomic context (GRCh38, chr2:178,553,619, plus strand): 5'-CACAGTTTACAGCAGATACCCGGAAGTAGTAATTGACTCCAGGTTTCAGGTTGGATACCA[C>T]ATATTCTGTAGTTCTGACCTCTCCTTTGGTAGAGACAGTAGTCCATTCCTCTTCCTCTCC-3'
Protein context (NP_001254479.2, residues 29786-29806): TKGEVRTTEY[Val29796Met]VSNLKPGVNY

ClinVar aggregate classification (germline): Conflicting classifications of pathogenicity. Review status: criteria provided, conflicting classifications (1 of 4 stars). 23 submissions from 18 submitters: Uncertain significance (5); Benign (6); Likely benign (11). 1 of the submissions does not count toward it. Last evaluated 2026-09-01.

Conditions:
TTN-related disorder. Also called: TTN-related disorders; TTN-related condition; TTN-related disease.
Cardiovascular phenotype. Identifiers: MedGen CN230736.
Dilated cardiomyopathy 1G (CMD1G). Identifiers: Orphanet 154, MedGen C1858763, MONDO:0011400, OMIM 604145.
Autosomal recessive limb-girdle muscular dystrophy type 2J (LGMDR10). Also called: Limb-girdle muscular dystrophy, type 2J; MUSCULAR DYSTROPHY, LIMB-GIRDLE, AUTOSOMAL RECESSIVE 10. Identifiers: Orphanet 140922, MedGen C1837342, MONDO:0012127, OMIM 608807.
Cardiomyopathy (CMYO). Also called: Cardiomyopathies. Identifiers: Orphanet 167848, MedGen C0878544, MONDO:0004994, HP:0001638. Inheritance: Various modes of inheritance.
Early-onset myopathy with fatal cardiomyopathy (CMYO5). Also called: Salih Myopathy; CONGENITAL MYOPATHY 5 WITH CARDIOMYOPATHY. Identifiers: Orphanet 289377, MedGen C2673677, MONDO:0012714, OMIM 611705. Disease mechanism: loss of function.
Myopathy, myofibrillar, 9, with early respiratory failure (MFM9). Also called: Hereditary myopathy with early respiratory failure; MYOPATHY, PROXIMAL, WITH EARLY RESPIRATORY MUSCLE INVOLVEMENT; Myopathy, distal, with early respiratory failure, autosomal dominant; EDSTROM MYOPATHY. Identifiers: Orphanet 178464, Orphanet 34521, MedGen C1863599, MONDO:0011362, OMIM 603689.
Tibial muscular dystrophy (TMD). Also called: UDD MYOPATHY; Tibial muscular dystrophy, tardive; Udd Distal Myopathy – Tibial Muscular Dystrophy. Identifiers: Orphanet 609, MedGen C1838244, MONDO:0010870, OMIM 600334.
Primary dilated cardiomyopathy (DCM). Also called: Dilated Cardiomyopathy. Identifiers: Orphanet 217604, MedGen C0007193, MeSH D002311, MONDO:0005021, HP:0001644. Inheritance: Various modes of inheritance.
Hypertrophic cardiomyopathy. Also called: HYPERTROPHIC MYOCARDIOPATHY. Identifiers: Orphanet 217569, MedGen C0007194, MeSH D002312, MONDO:0005045, HP:0001639.
Hypotonia. Also called: Muscular hypotonia; poor muscle tone. Identifiers: MedGen C0026827, HP:0001252.
Generalized muscle weakness. Identifiers: MedGen C0746674, HP:0003324.
Delayed speech and language development. Also called: Language delay. Identifiers: MedGen C0454644, HP:0000750.
Short stature. Identifiers: MedGen C0349588, HP:0004322.
Failure to thrive. Also called: Pediatric failure to thrive. Identifiers: MedGen C2315100, HP:0001508.
Abnormal speech pattern. Also called: Neurological speech impairment; Speech impairment. Identifiers: MedGen C3687424, HP:0002167.
Abnormality of the immune system. Identifiers: MedGen C4021753, HP:0002715.

Allele frequency attached by ClinVar (database versions not stated): TOPMed 0.00070; 1000 Genomes Project 30x 0.00094; gnomAD 0.00071 and 0.00066; 1000 Genomes Project 0.00100; gnomAD exomes 0.00128 and 0.00098; ExAC 0.00132; ESP Exome Variant Server 0.00025.
gnomAD v4.1: 1,557 of 1,613,874 alleles (0.096%); highest among the groups gnomAD compares: South Asian, 0.51%; 5 homozygotes.

Submissions (23):

CeGaT Center for Human Genetics Tuebingen
Classification: Likely benign. Last evaluated: 2026-09-01. Review status: criteria provided, single submitter. Criteria: CeGaT Center For Human Genetics Tuebingen Variant Classification Criteria Version 2. Collection method: clinical testing. Allele origin: germline. Affected: yes. Observed: 31 variant alleles.
Comment: TTN: BS2

Labcorp Genetics (formerly Invitae), Labcorp
Classification: Benign for Dilated cardiomyopathy 1G; Autosomal recessive limb-girdle muscular dystrophy type 2J. Last evaluated: 2026-02-04. Review status: criteria provided, single submitter. Criteria: Invitae Variant Classification Sherloc (09022015). Collection method: clinical testing. Allele origin: germline.

Molecular Diagnostic Laboratory for Inherited Cardiovascular Disease, Montreal Heart Institute
Classification: Likely benign. Last evaluated: 2025-04-09. Review status: criteria provided, single submitter. Criteria: ACMG Guidelines, 2015. Collection method: clinical testing. Allele origin: germline. Affected: no.

Blueprint Genetics
Classification: Likely benign. Last evaluated: 2024-11-21. Review status: criteria provided, single submitter. Criteria: ACMG Guidelines, 2015. Collection method: clinical testing. Allele origin: germline.

ARUP Laboratories, Molecular Genetics and Genomics, ARUP Laboratories
Classification: Likely benign. Last evaluated: 2023-06-28. Review status: criteria provided, single submitter. Criteria: ARUP Molecular Germline Variant Investigation Process 2024. Collection method: clinical testing. Allele origin: germline.

Women's Health and Genetics/Laboratory Corporation of America, LabCorp
Classification: Likely benign. Last evaluated: 2022-08-22. Review status: criteria provided, single submitter. Criteria: LabCorp Variant Classification Summary - May 2015. Collection method: clinical testing. Allele origin: germline.

Mayo Clinic Laboratories, Mayo Clinic
Classification: Benign. Last evaluated: 2020-08-31. Review status: criteria provided, single submitter. Criteria: ACMG Guidelines, 2015. Collection method: clinical testing. Allele origin: germline. Observed: 5 variant alleles.

Ambry Genetics
Classification: Likely benign for Cardiovascular phenotype. Last evaluated: 2019-06-07. Review status: criteria provided, single submitter. Criteria: Ambry Autosomal Dominant and X-Linked criteria (3/2017). Collection method: clinical testing. Allele origin: germline. Observed: 1 variant allele.
Comment: Subpopulation frequency in support of benign classification

Knight Diagnostic Laboratories, Oregon Health and Sciences University
Classification: Likely benign for Generalized muscle weakness; Delayed speech and language development; Abnormal speech pattern; Short stature; Failure to thrive; Abnormality of the immune system; Hypotonia. Last evaluated: 2019-03-21. Review status: criteria provided, single submitter. Criteria: ACMG Guidelines, 2015. Collection method: clinical testing. Allele origin: germline. Observed: 1 variant allele.

GeneDx
Classification: Benign. Last evaluated: 2018-08-16. Review status: criteria provided, single submitter. Criteria: GeneDx Variant Classification Process June 2021. Collection method: clinical testing. Allele origin: germline. Affected: yes.
Comment: This variant is associated with the following publications: (PMID: 23396983, 23861362)

CHEO Genetics Diagnostic Laboratory, Children's Hospital of Eastern Ontario
Classification: Benign for Cardiomyopathy. Last evaluated: 2018-02-09. Review status: criteria provided, single submitter. Criteria: ACMG Guidelines, 2015. Collection method: clinical testing. Allele origin: germline.

Illumina Laboratory Services, Illumina
Classification: Uncertain significance for Autosomal recessive limb-girdle muscular dystrophy type 2J. Last evaluated: 2018-01-13. Review status: criteria provided, single submitter. Criteria: ICSL Variant Classification Criteria 13 December 2019. Collection method: clinical testing. Allele origin: germline.

Illumina Laboratory Services, Illumina
Classification: Uncertain significance for Dilated cardiomyopathy 1G. Last evaluated: 2018-01-13. Review status: criteria provided, single submitter. Criteria: ICSL Variant Classification Criteria 13 December 2019. Collection method: clinical testing. Allele origin: germline.

Illumina Laboratory Services, Illumina
Classification: Uncertain significance for Early-onset myopathy with fatal cardiomyopathy. Last evaluated: 2018-01-13. Review status: criteria provided, single submitter. Criteria: ICSL Variant Classification Criteria 13 December 2019. Collection method: clinical testing. Allele origin: germline.

Illumina Laboratory Services, Illumina
Classification: Benign for Myopathy, myofibrillar, 9, with early respiratory failure. Last evaluated: 2018-01-13. Review status: criteria provided, single submitter. Criteria: ICSL Variant Classification Criteria 13 December 2019. Collection method: clinical testing. Allele origin: germline.
Comment: This variant was observed in the ICSL laboratory as part of a predisposition screen in an ostensibly healthy population. It had not been previously curated by ICSL or reported in the Human Gene Mutation Database (HGMD: prior to June 1st, 2018), and was therefore a candidate for classification through an automated scoring system. Utilizing variant allele frequency, disease prevalence and penetrance estimates, and inheritance mode, an automated score was calculated to assess if this variant is too frequent to cause the disease. Based on the score and internal cut-off values, a variant classified as benign is not then subjected to further curation. The score for this variant resulted in a classification of benign for this disease.

Illumina Laboratory Services, Illumina
Classification: Benign for Tibial muscular dystrophy. Last evaluated: 2018-01-13. Review status: criteria provided, single submitter. Criteria: ICSL Variant Classification Criteria 13 December 2019. Collection method: clinical testing. Allele origin: germline.
Comment: the same text as in the submission from Illumina Laboratory Services, Illumina above.

Center for Advanced Laboratory Medicine, UC San Diego Health, University of California San Diego
Classification: Likely benign for Hypertrophic cardiomyopathy. Last evaluated: 2017-07-26. Review status: criteria provided, single submitter. Criteria: ACMG Guidelines, 2015. Collection method: clinical testing. Allele origin: germline. Affected: yes. Observed: 2 variant alleles.

Eurofins Ntd Llc (ga)
Classification: Likely benign. Last evaluated: 2015-07-02. Review status: criteria provided, single submitter. Criteria: EGL Classification Definitions 2015. Collection method: clinical testing. Allele origin: germline. Observed: 1 variant allele, 1 heterozygote.

Laboratory for Molecular Medicine, Mass General Brigham Personalized Medicine
Classification: Likely benign. Last evaluated: 2015-04-09. Review status: criteria provided, single submitter. Criteria: LMM Criteria. Collection method: clinical testing. Allele origin: germline. Observed: 5 variant alleles.
Comment: p.Val27228Met in exon 283 of TTN: This variant is not expected to have clinical significance because it has been identified in 0.5% (89/16510) of South Asian ch romosomes by the Exome Aggregation Consortium (ExAC. org; dbSNP rs72648237).

Biesecker Lab/Clinical Genomics Section, National Institutes of Health
Classification: Uncertain significance. Last evaluated: 2013-06-24. Review status: criteria provided, single submitter. Criteria: Ng et al. (Circ Cardiovasc Genet. 2013). Collection method: research. Allele origin: unknown. Observed: 1 variant allele. Study: ClinSeq.
Comment: The study set was not selected for affection status in relation to any cancer. Pathogenicity categories were based on literature curation. See Pubmed ID:23861362 for details.

Medical sequencing

Genetics and Genomics Program, Sidra Medicine
Classification: Likely benign for Hypertrophic cardiomyopathy. Review status: criteria provided, single submitter. Criteria: ACMG Guidelines, 2015. Collection method: research. Allele origin: unknown. Affected: yes. Observed: 1 variant allele.

Genetics and Genomics Program, Sidra Medicine
Classification: Uncertain significance for Primary dilated cardiomyopathy. Review status: criteria provided, single submitter. Criteria: ACMG Guidelines, 2015. Collection method: research. Allele origin: unknown. Affected: yes. Observed: 1 variant allele.

PreventionGenetics, part of Exact Sciences
Classification: Likely benign for TTN-related condition. Last evaluated: 2024-02-14. Review status: no assertion criteria provided. Collection method: clinical testing. Allele origin: germline. Not counted in ClinVar's aggregate classification.
Comment: This variant is classified as likely benign based on ACMG/AMP sequence variant interpretation guidelines (Richards et al. 2015 PMID: 25741868, with internal and published modifications).